The following is an entry in ClinVar:

ClinVar aggregate classification (germline): Uncertain significance (1 of 4 stars; one submission).

Submission:

Ambry Genetics
Classification: Uncertain significance. Last evaluated: 2024-05-25. Review status: criteria provided, single submitter. Criteria: Ambry Variant Classification Scheme 2023. Collection method: clinical testing. Allele origin: germline.
Comment: The p.N317K variant (also known as c.951C>G), located in coding exon 2 of the EGLN2 gene, results from a C to G substitution at nucleotide position 951. The asparagine at codon 317 is replaced by lysine, an amino acid with similar properties. This amino acid position is conserved. In addition, this alteration is predicted to be tolerated by in silico analysis. Since supporting evidence is limited at this time, the clinical significance of this alteration remains unclear.

NM_080732.4(EGLN2):c.951C>G (p.Asn317Lys)

Genes: EGLN2 (egl-9 family hypoxia inducible factor 2; plus strand), RAB4B-EGLN2 (RAB4B-EGLN2 readthrough (NMD candidate); plus strand). Cytogenetic location: 19q13.2.
Variant type: single nucleotide variant.
Coding change: c.951C>G on transcript NM_080732.4 (MANE Select); coding-DNA position 951, C replaced by G.
Protein change: p.Asn317Lys; replaces asparagine 317 with lysine.
Molecular consequence: missense variant. On other transcripts: non-coding transcript variant (1).
Genome position (GRCh38, 1-based): chr19:40,806,662, C>G. VCF-style: chr19-40806662-C-G. GRCh37 (hg19) VCF-style: chr19-41312567-C-G.
Other names: c.951C>G, p.Asn317Lys (NM_053046.4); short protein forms N317K.
Identifiers: ClinVar variation 1767242 (VCV001767242.3), dbSNP rs2516006597, ClinGen allele CA405956343.